The following is an entry in ClinVar:

NM_001148.6(ANK2):c.4372-7C>T

Gene: ANK2 (ankyrin 2; plus strand). Cytogenetic location: 4q26.
Variant type: single nucleotide variant.
Coding change: c.4372-7C>T on transcript NM_001148.6 (MANE Select); 7 bases into the intron before coding-DNA position 4372, C replaced by T.
Molecular consequence: intron variant.
Genome position (GRCh38, 1-based): chr4:113,348,269, C>T. VCF-style: chr4-113348269-C-T. GRCh37 (hg19) VCF-style: chr4-114269425-C-T.
Other names: c.4357-7C>T (NM_001386186.2, NM_001386148.2); c.4159-7C>T (NM_001354269.3); c.4237-7C>T (NM_001386187.2); c.4231-1959C>T (NM_001386147.1); c.4216-7C>T (NM_001386160.1); c.4321-7C>T (NM_001354254.2); c.4342-7C>T (NM_001354239.2, NM_001354252.2); c.4243-7C>T (NM_001354272.2); and 33 more.
Identifiers: ClinVar variation 377478 (VCV000377478.23), dbSNP rs370720661, ClinGen allele CA3051075.

ClinVar aggregate classification (germline): Benign/Likely benign. Review status: criteria provided, multiple submitters, no conflicts (2 of 4 stars). 6 submissions from 6 submitters: Benign (2); Likely benign (3). 1 of the submissions does not count toward it. Last evaluated 2026-07-01.

Conditions:
Cardiac arrhythmia, ankyrin-B-related. Also called: ANKYRIN-B SYNDROME. Identifiers: Orphanet 101016, Orphanet 768, MedGen C1970119, MONDO:0010958, OMIM 600919.
ANK2-related disorder. Also called: ANK2-related condition.
Long QT syndrome (LQTS). Identifiers: MedGen C0023976, MeSH D008133, MONDO:0002442. Disease mechanism: loss of function. Inheritance: Various modes of inheritance.

Allele frequency attached by ClinVar (database versions not stated): gnomAD exomes 0.00005 and 0.00008; ExAC 0.00006; gnomAD 0.00013 and 0.00014; TOPMed 0.00016; ESP Exome Variant Server 0.00023.
gnomAD v4.1: 102 of 1,612,932 alleles (0.0063%); highest among the groups gnomAD compares: Middle Eastern, 0.033%; 1 homozygote.

Submissions (6):

CeGaT Center for Human Genetics Tuebingen
Classification: Likely benign. Last evaluated: 2026-07-01. Review status: criteria provided, single submitter. Criteria: CeGaT Center For Human Genetics Tuebingen Variant Classification Criteria Version 2. Collection method: clinical testing. Allele origin: germline. Affected: yes. Observed: 1 variant allele.
Comment: ANK2: BP4

Labcorp Genetics (formerly Invitae), Labcorp
Classification: Likely benign for Long QT syndrome. Last evaluated: 2025-12-09. Review status: criteria provided, single submitter. Criteria: Invitae Variant Classification Sherloc (09022015). Collection method: clinical testing. Allele origin: germline.

Genome-Nilou Lab
Classification: Benign for Cardiac arrhythmia, ankyrin-B-related. Last evaluated: 2021-12-05. Review status: criteria provided, single submitter. Criteria: ACMG Guidelines, 2015. Collection method: clinical testing. Allele origin: germline. Affected: no.

ARUP Laboratories, Molecular Genetics and Genomics, ARUP Laboratories
Classification: Likely benign. Last evaluated: 2020-08-23. Review status: criteria provided, single submitter. Criteria: ARUP Molecular Germline Variant Investigation Process. Collection method: clinical testing. Allele origin: germline.

GeneDx
Classification: Benign. Last evaluated: 2015-12-17. Review status: criteria provided, single submitter. Criteria: GeneDx Variant Classification (06012015). Collection method: clinical testing. Allele origin: germline. Affected: yes.
Comment: This variant is considered likely benign or benign based on one or more of the following criteria: it is a conservative change, it occurs at a poorly conserved position in the protein, it is predicted to be benign by multiple in silico algorithms, and/or has population frequency not consistent with disease.

PreventionGenetics, part of Exact Sciences
Classification: Likely benign for ANK2-related condition. Last evaluated: 2019-08-06. Review status: no assertion criteria provided. Collection method: clinical testing. Allele origin: germline. Not counted in ClinVar's aggregate classification.
Comment: This variant is classified as likely benign based on ACMG/AMP sequence variant interpretation guidelines (Richards et al. 2015 PMID: 25741868, with internal and published modifications).